The following is an entry in ClinVar:

ClinVar aggregate classification (germline): Pathogenic (1 of 4 stars; one submission).

Conditions:
Charcot-Marie-Tooth disease, type I (CMT1). Also called: Charcot-Marie-Tooth disease type 1; Charcot-Marie-Tooth, Type 1. Identifiers: Orphanet 65753, MedGen C0751036, MONDO:0019011.

Submission:

Labcorp Genetics (formerly Invitae), Labcorp
Classification: Pathogenic for Charcot-Marie-Tooth disease, type I. Last evaluated: 2021-09-09. Review status: criteria provided, single submitter. Criteria: Invitae Variant Classification Sherloc (09022015). Collection method: clinical testing. Allele origin: germline.
Comment: This variant is a gross deletion of the genomic region encompassing exon(s) 3 of the PMP22 gene. This deletion is out-of-frame, and is expected to create a premature termination codon and result in an absent or disrupted protein product. Loss-of-function variants in PMP22 are known to be pathogenic (PMID: 23224996). A similar copy number variant has been observed in individual(s) with clinical features of PMP22-related conditions (PMID: 19543269, 20493460). For these reasons, this variant has been classified as Pathogenic.

Literature cited by the submitters: PubMed 23224996; PubMed 19543269; PubMed 20493460.

NC_000017.10:g.(?_15162401)_(15162520_?)del

Gene: PMP22 (peripheral myelin protein 22; minus strand). Cytogenetic location: 17p12.
Variant type: Deletion.
Identifiers: ClinVar variation 1074661 (VCV001074661.2).